The following is an entry in ClinVar:

NM_015557.3(CHD5):c.4444G>T (p.Gly1482Cys)

Gene: CHD5 (chromodomain helicase DNA binding protein 5; minus strand). Cytogenetic location: 1p36.31.
Variant type: single nucleotide variant.
Coding change: c.4444G>T on transcript NM_015557.3 (MANE Select); coding-DNA position 4444, G replaced by T.
Protein change: p.Gly1482Cys; replaces glycine 1482 with cysteine.
Molecular consequence: missense variant.
Genome position (GRCh38, 1-based): chr1:6,124,612, C>A on the plus strand (G>T on the coding strand, the complement: CHD5 is on the minus strand). VCF-style: chr1-6124612-C-A. GRCh37 (hg19) VCF-style: chr1-6184672-C-A.
Other names: short protein forms G1482C.
Identifiers: ClinVar variation 3343263 (VCV003343263.1).

ClinVar aggregate classification (germline): Uncertain significance (1 of 4 stars; one submission).

Submission:

GeneDx
Classification: Uncertain significance. Last evaluated: 2023-05-03. Review status: criteria provided, single submitter. Criteria: GeneDx Variant Classification Process June 2021. Collection method: clinical testing. Allele origin: germline. Affected: yes.
Comment: Not observed at significant frequency in large population cohorts (gnomAD); In silico analysis supports that this missense variant has a deleterious effect on protein structure/function; Has not been previously published as pathogenic or benign to our knowledge